The following is an entry in ClinVar:

NM_014832.5(TBC1D4):c.3122G>A (p.Arg1041His)

Gene: TBC1D4 (TBC1 domain family member 4; minus strand). Cytogenetic location: 13q22.2.
Variant type: single nucleotide variant.
Coding change: c.3122G>A on transcript NM_014832.5 (MANE Select); coding-DNA position 3122, G replaced by A.
Protein change: p.Arg1041His; replaces arginine 1041 with histidine.
Molecular consequence: missense variant.
Genome position (GRCh38, 1-based): chr13:75,299,364, C>T on the plus strand (G>A on the coding strand, the complement: TBC1D4 is on the minus strand). VCF-style: chr13-75299364-C-T. GRCh37 (hg19) VCF-style: chr13-75873500-C-T.
Other names: c.3098G>A, p.Arg1033His (NM_001286658.2); c.2933G>A, p.Arg978His (NM_001286659.2); c.3122G>A (NM_014832.2); short protein forms R1041H, R1033H, R978H.
Identifiers: ClinVar variation 562223 (VCV000562223.8), dbSNP rs199560195, ClinGen allele CA7003556.
Genomic context (GRCh38, chr13:75,299,364, plus strand): 5'-TTCCTCGGGAAGCACAAGTGCCTCACCTGCAGCGACATCATGTCAGGTCTGTACTGCTTG[C>T]GGAAGCCGAGGTCATACATGAGGAATTTCAGCATTTCAAAGGCTTGCTCTTCACTCATGT-3'
Protein context (NP_055647.2, residues 1031-1051): LKFLMYDLGF[Arg1041His]KQYRPDMMSL

ClinVar aggregate classification (germline): Uncertain significance. Review status: criteria provided, multiple submitters, no conflicts (2 of 4 stars). 3 submissions from 3 submitters: Uncertain significance (2). 1 of the submissions does not count toward it. Last evaluated 2026-08-21.

Conditions:
TBC1D4-related disorder. Also called: TBC1D4-related condition.
Insulin resistance. Identifiers: MedGen C0021655, HP:0000855.

Allele frequency attached by ClinVar (database versions not stated): ExAC 0.00003; gnomAD 0.00003; gnomAD exomes 0.00004; 1000 Genomes Project 30x 0.00031; TOPMed 0.00008; 1000 Genomes Project 0.00020.
gnomAD v4.1: 21 of 1,614,112 alleles (0.0013%); highest among the groups gnomAD compares: Admixed American, 0.022%; no homozygotes.

Submissions (3):

PreventionGenetics, part of Exact Sciences
Classification: Uncertain significance for TBC1D4-related condition. Last evaluated: 2026-08-21. Review status: criteria provided, single submitter. Criteria: ACMG Guidelines, 2015. Collection method: clinical testing. Allele origin: germline.
Comment: The TBC1D4 c.3122G>A variant is predicted to result in the amino acid substitution p.Arg1041His. This variant has been reported, along with a MC4R variant, in an individual with severe Insulin resistance, diabetes mellitus, and obesity (Hosoe et al. 2020. PubMed ID: 32971154). This variant is reported in 0.025% of alleles in individuals of Latino descent in gnomAD. At this time, the clinical significance of this variant is uncertain due to the absence of conclusive functional and genetic evidence.

Ambry Genetics
Classification: Uncertain significance. Last evaluated: 2024-06-25. Review status: criteria provided, single submitter. Criteria: Ambry Variant Classification Scheme 2023. Collection method: clinical testing. Allele origin: germline.

Medical Research Institute, Tokyo Medical and Dental University
Classification: Pathogenic for Insulin resistance. Last evaluated: 2017-10-04. Review status: no assertion criteria provided. Collection method: research. Allele origin: germline. Affected: yes. Observed: 1 variant allele. Not counted in ClinVar's aggregate classification.
Comment: Next generation sequencing